The following is an entry in ClinVar:

ClinVar aggregate classification (germline): Likely benign. Review status: criteria provided, multiple submitters, no conflicts (2 of 4 stars). 3 submissions from 3 submitters: Likely benign (3). Last evaluated 2025-12-16.

Allele frequency attached by ClinVar (database versions not stated): ExAC 0.00004; gnomAD 0.00007; 1000 Genomes Project 30x 0.00016; TOPMed 0.00009; gnomAD exomes 0.00011 and 0.00013.
gnomAD v4.1: 189 of 1,551,702 alleles (0.012%); highest among the groups gnomAD compares: East Asian, 0.017%; no homozygotes.

Submissions (3):

Labcorp Genetics (formerly Invitae), Labcorp
Classification: Likely benign. Last evaluated: 2025-12-16. Review status: criteria provided, single submitter. Criteria: Invitae Variant Classification Sherloc (09022015). Collection method: clinical testing. Allele origin: germline.

Blueprint Genetics
Classification: Likely benign. Last evaluated: 2024-07-22. Review status: criteria provided, single submitter. Criteria: ACMG Guidelines, 2015. Collection method: clinical testing. Allele origin: germline.

Laboratory for Molecular Medicine, Mass General Brigham Personalized Medicine
Classification: Likely benign. Last evaluated: 2015-12-17. Review status: criteria provided, single submitter. Criteria: LMM Criteria. Collection method: clinical testing. Allele origin: germline. Observed: 1 variant allele.
Comment: p.Asn1282Asn in exon 25 of LOXHD1: This variant is not expected to have clinical significance because it does not alter an amino acid residue and is not located within the splice consensus sequence. It has been identified in 1/7914 South As ian chromosomes by the Exome Aggregation Consortium (ExAC).

NM_001384474.1(LOXHD1):c.3846C>T (p.Asn1282=)

Gene: LOXHD1 (lipoxygenase homology PLAT domains 1; minus strand). Cytogenetic location: 18q21.1.
Variant type: single nucleotide variant.
Coding change: c.3846C>T on transcript NM_001384474.1 (MANE Select); coding-DNA position 3846, C replaced by T.
Protein change: p.Asn1282=; no amino-acid change (asparagine 1282 retained).
Molecular consequence: synonymous variant.
Genome position (GRCh38, 1-based): chr18:46,541,843, G>A on the plus strand (C>T on the coding strand, the complement: LOXHD1 is on the minus strand). VCF-style: chr18-46541843-G-A. GRCh37 (hg19) VCF-style: chr18-44121806-G-A.
Other names: c.513C>T, p.Asn171= (NM_001145472.3); c.225C>T, p.Asn75= (NM_001308013.2); c.3846C>T, p.Asn1282= (NM_144612.7).
Identifiers: ClinVar variation 227520 (VCV000227520.14), dbSNP rs759329010, ClinGen allele CA8952428.